The following continues an entry in ClinVar:

NM_000051.4(ATM):c.1176C>G (p.Gly392=)

Gene: ATM. ClinVar aggregate classification (germline): Benign. Benign (1).

Submissions 22 to 27 of 27:

Department of Pathology and Laboratory Medicine, Sinai Health System
Classification: Benign for Bile duct cancer. Review status: no assertion criteria provided. Collection method: clinical testing. Allele origin: unknown. Affected: yes. Study: The Canadian Open Genetics Repository (COGR). Not counted in ClinVar's aggregate classification.
Comment: The ATM p.Gly392= variant was identified in dbSNP (ID: rs1800727) as â€šÃ„ÃºWith other alleleâ€šÃ„Ã¹, ClinVar (classified benign by Ambry Genetics, Prevention Genetics and Invitae, and likely benign by Illumina), Clinvitae (3x), Cosmic (2x in a haematopoietic neoplasm), LOVD 3.0, and in control databases in 1348 (34 homozygous) of 276972 chromosomes at a frequency of 0.005, increasing the likelihood this could be a low frequency benign variant (Genome Aggregation Database Feb 27, 2017). Breakdown of the observations by population include African in 1208 (34 homozygous) of 24022 chromosomes (freq: 0.05), Other in 22 of 6456 chromosomes (freq: 0.003), Latino in 90 of 34396 chromosomes (freq: 0.003), and European in 28 of 126546 chromosomes (freq: 0.0002), while it not observed in the Ashkenazi Jewish, East Asian, Finnish, and South Asian populations. The variant was not identified in GeneInsight-COGR or the MutDB database. The p.Gly392= variant is not expected to have clinical significance because it does not result in a change of amino acid and is not located in a known consensus splice site. In summary, based on the above information this variant meets our laboratory's criteria to be classified as benign.

Dr. Peter K. Rogan Lab, Western University
No classification provided (evidence only). Condition: Clear cell carcinoma of kidney. Review status: no classification provided. Collection method: in vitro. Allele origin: not applicable. Functional consequence: skipped exon. Not counted in ClinVar's aggregate classification.

Dr. Peter K. Rogan Lab, Western University
No classification provided (evidence only). Condition: Acute myeloid leukemia. Review status: no classification provided. Collection method: in vitro. Allele origin: not applicable. Functional consequence: skipped exon. Not counted in ClinVar's aggregate classification.

Genome Diagnostics Laboratory, Amsterdam University Medical Center
Classification: Benign. Review status: no assertion criteria provided. Collection method: clinical testing. Allele origin: germline. Affected: yes. Study: VKGL Data-share Consensus. Not counted in ClinVar's aggregate classification.

Genome Diagnostics Laboratory, University Medical Center Utrecht
Classification: Benign. Review status: no assertion criteria provided. Collection method: clinical testing. Allele origin: germline. Affected: yes. Study: VKGL Data-share Consensus. Not counted in ClinVar's aggregate classification.

Laboratory of Diagnostic Genome Analysis, Leiden University Medical Center (LUMC)
Classification: Benign. Review status: no assertion criteria provided. Collection method: clinical testing. Allele origin: germline. Affected: yes. Study: VKGL Data-share Consensus. Not counted in ClinVar's aggregate classification.

Literature cited by the submitters: PubMed 40580951 (cited by Athena Diagnostics); PubMed 36547062 (cited by Athena Diagnostics); PubMed 36315513 (cited by Athena Diagnostics); PubMed 17124347 (cited by Athena Diagnostics and Counsyl); PubMed 20077034 (cited by Athena Diagnostics and Counsyl); PubMed 26635394 (cited by Athena Diagnostics and Counsyl); PubMed 17517479 (cited by Athena Diagnostics); PubMed 11849780 (cited by Athena Diagnostics); PubMed 9887333 (cited by Athena Diagnostics and Counsyl).